The following is an entry in ClinVar:

ClinVar aggregate classification (germline): Uncertain significance (0 of 4 stars; one submission).

Conditions:
HIVEP2-related disorder. Also called: HIVEP2-related condition.

Submission:

PreventionGenetics, part of Exact Sciences
Classification: Uncertain significance for HIVEP2-related condition. Last evaluated: 2024-06-18. Review status: no assertion criteria provided. Collection method: clinical testing. Allele origin: germline.
Comment: The HIVEP2 c.2744T>C variant is predicted to result in the amino acid substitution p.Val915Ala. To our knowledge, this variant has not been reported in the literature or in gnomAD, indicating this variant is rare. At this time, the clinical significance of this variant is uncertain due to the absence of conclusive functional and genetic evidence.

NM_006734.4(HIVEP2):c.2744T>C (p.Val915Ala)

Gene: HIVEP2 (HIVEP zinc finger 2; minus strand). Cytogenetic location: 6q24.2.
Variant type: single nucleotide variant.
Coding change: c.2744T>C on transcript NM_006734.4 (MANE Select); coding-DNA position 2744, T replaced by C.
Protein change: p.Val915Ala; replaces valine 915 with alanine.
Molecular consequence: missense variant.
Genome position (GRCh38, 1-based): chr6:142,771,995, A>G on the plus strand (T>C on the coding strand, the complement: HIVEP2 is on the minus strand). VCF-style: chr6-142771995-A-G. GRCh37 (hg19) VCF-style: chr6-143093132-A-G.
Other names: short protein forms V915A.
Identifiers: ClinVar variation 3349546 (VCV003349546.1).
Genomic context (GRCh38, chr6:142,771,995, plus strand): 5'-AACTTCTCCGCGGGGAGCTGGGAAAGGGTCTCACTTCTCTGGGGCCACTGAAATTCTTCC[A>G]CAGGCTTCTCTGGCTCTTTGCTCTGGGCTTCCTTCTCCTTCTCAGGTTTATCAGGCTCCT-3'
Protein context (NP_006725.3, residues 905-925): EAQSKEPEKP[Val915Ala]EEFQWPQRSE